The following is an entry in ClinVar:

NM_004715.5(CTDP1):c.787G>A (p.Glu263Lys)

Gene: CTDP1 (CTD phosphatase subunit 1; plus strand). Cytogenetic location: 18q23.
Variant type: single nucleotide variant.
Coding change: c.787G>A on transcript NM_004715.5 (MANE Select); coding-DNA position 787, G replaced by A.
Protein change: p.Glu263Lys; replaces glutamic acid 263 with lysine.
Molecular consequence: missense variant.
Genome position (GRCh38, 1-based): chr18:79,710,360, G>A. VCF-style: chr18-79710360-G-A. GRCh37 (hg19) VCF-style: chr18-77470360-G-A.
Other names: c.430G>A, p.Glu144Lys (NM_001202504.1); c.787G>A, p.Glu263Lys (NM_001318511.2, NM_048368.4); short protein forms E144K, E263K.
Identifiers: ClinVar variation 2184948 (VCV002184948.4), dbSNP rs370954252, ClinGen allele CA9010117.

ClinVar aggregate classification (germline): Uncertain significance (1 of 4 stars; one submission).

Allele frequency attached by ClinVar (database versions not stated): ExAC 0.00002; gnomAD exomes 0.00002; TOPMed 0.00002; gnomAD 0.00004; ESP Exome Variant Server 0.00008.

Submission:

Labcorp Genetics (formerly Invitae), Labcorp
Classification: Uncertain significance. Last evaluated: 2022-05-03. Review status: criteria provided, single submitter. Criteria: Invitae Variant Classification Sherloc (09022015). Collection method: clinical testing. Allele origin: germline.
Comment: The frequency data for this variant in the population databases is considered unreliable, as metrics indicate poor data quality at this position in the gnomAD database. This sequence change replaces glutamic acid, which is acidic and polar, with lysine, which is basic and polar, at codon 263 of the CTDP1 protein (p.Glu263Lys). In summary, the available evidence is currently insufficient to determine the role of this variant in disease. Therefore, it has been classified as a Variant of Uncertain Significance. Algorithms developed to predict the effect of missense changes on protein structure and function are either unavailable or do not agree on the potential impact of this missense change (SIFT: "Deleterious"; PolyPhen-2: "Probably Damaging"; Align-GVGD: "Class C0"). This variant has not been reported in the literature in individuals affected with CTDP1-related conditions.